The following is an entry in ClinVar:

NM_000187.4(HGD):c.964T>C (p.Trp322Arg)

Gene: HGD (homogentisate 1,2-dioxygenase; minus strand). Cytogenetic location: 3q13.33.
Variant type: single nucleotide variant.
Coding change: c.964T>C on transcript NM_000187.4 (MANE Select); coding-DNA position 964, T replaced by C.
Protein change: p.Trp322Arg; replaces tryptophan 322 with arginine.
Molecular consequence: missense variant.
Genome position (GRCh38, 1-based): chr3:120,638,497, A>G on the plus strand (T>C on the coding strand, the complement: HGD is on the minus strand). VCF-style: chr3-120638497-A-G. GRCh37 (hg19) VCF-style: chr3-120357344-A-G.
Other names: short protein forms W322R.
Identifiers: ClinVar variation 2627711 (VCV002627711.1), dbSNP rs2472670867, ClinGen allele CA354073460.

ClinVar aggregate classification (germline): Pathogenic (0 of 4 stars; one submission).

Conditions:
Alkaptonuria (AKU). Also called: Alkaptonuric ochronosis; Homogentisic acidura; Alcaptonuria; HOMOGENTISIC ACID OXIDASE DEFICIENCY. Identifiers: Orphanet 56, MedGen C0002066, MONDO:0008753, OMIM 203500.

Submission:

Department Of Human Genetics, Institute Of Clinical And Translational Research, Biomedical Research Center, Slovak Academy Of Sciences
Classification: Pathogenic for Alkaptonuria. Review status: no assertion criteria provided. Collection method: research. Allele origin: germline. Inheritance: Autosomal recessive inheritance. Affected: yes. Observed: 2 variant alleles.
Comment: The variant was originally described in AKU patient in PMID:11001939. It has been submitted to the HGD gene mutation database (DB-ID: AKU_00087).

Literature cited by the submitters: PubMed 11001939.